The following is an entry in ClinVar:

NM_000018.4(ACADVL):c.62+1G>T

Genes: ACADVL (acyl-CoA dehydrogenase very long chain; plus strand), DLG4 (discs large MAGUK scaffold protein 4; minus strand). Cytogenetic location: 17p13.1.
Variant type: single nucleotide variant.
Coding change: c.62+1G>T on transcript NM_000018.4 (MANE Select); the canonical splice donor site of the intron after coding-DNA position 62, G replaced by T.
Molecular consequence: splice donor variant. On other transcripts: 5 prime UTR variant (2), non-coding transcript variant (1), intron variant (1).
Genome position (GRCh38, 1-based): chr17:7,220,047, G>T. VCF-style: chr17-7220047-G-T. GRCh37 (hg19) VCF-style: chr17-7123366-G-T.
Other names: c.-1198C>A (NM_001321074.1); c.-241G>T (NM_001270448.2); c.132-75G>T (NM_001270447.2); c.62+1G>T (NM_001033859.3).
Identifiers: ClinVar variation 2093923 (VCV002093923.4), dbSNP rs2071111529, ClinGen allele CA397722012.

ClinVar aggregate classification (germline): Likely pathogenic (1 of 4 stars; one submission).

Conditions:
Very long chain acyl-CoA dehydrogenase deficiency (ACADVLD). Also called: VLCAD Deficiency; Very Long-Chain Acyl-Coenzyme A Dehydrogenase Deficiency. Identifiers: Orphanet 26793, MedGen C3887523, MONDO:0008723, OMIM 201475.

Allele frequency attached by ClinVar (database versions not stated): gnomAD exomes below 0.00001.
gnomAD v4.1: 1 of 1,603,242 alleles (0.000062%); no homozygotes.

Submission:

Labcorp Genetics (formerly Invitae), Labcorp
Classification: Likely pathogenic for Very long chain acyl-CoA dehydrogenase deficiency. Last evaluated: 2025-08-04. Review status: criteria provided, single submitter. Criteria: Invitae Variant Classification Sherloc (09022015). Collection method: clinical testing. Allele origin: germline.
Comment: This sequence change affects a donor splice site in intron 1 of the ACADVL gene. It is expected to disrupt RNA splicing. Variants that disrupt the donor or acceptor splice site typically lead to a loss of protein function (PMID: 16199547), and loss-of-function variants in ACADVL are known to be pathogenic (PMID: 9973285, 11590124). This variant is not present in population databases (gnomAD no frequency). This variant has not been reported in the literature in individuals affected with ACADVL-related conditions. ClinVar contains an entry for this variant (Variation ID: 2093923). Algorithms developed to predict the effect of sequence changes on RNA splicing suggest that this variant may disrupt the consensus splice site. In summary, the currently available evidence indicates that the variant is pathogenic, but additional data are needed to prove that conclusively. Therefore, this variant has been classified as Likely Pathogenic.

Literature cited by the submitters: PubMed 16199547; PubMed 9973285; PubMed 11590124.